The following is an entry in ClinVar:

NM_000540.3(RYR1):c.11101T>C (p.Leu3701=)

Gene: RYR1 (ryanodine receptor 1; plus strand). Cytogenetic location: 19q13.2.
Variant type: single nucleotide variant.
Coding change: c.11101T>C on transcript NM_000540.3 (MANE Select); coding-DNA position 11101, T replaced by C.
Protein change: p.Leu3701=; no amino-acid change (leucine 3701 retained).
Molecular consequence: synonymous variant.
Genome position (GRCh38, 1-based): chr19:38,529,017, T>C. VCF-style: chr19-38529017-T-C. GRCh37 (hg19) VCF-style: chr19-39019657-T-C.
Other names: c.11086T>C, p.Leu3696= (NM_001042723.2).
Identifiers: ClinVar variation 3071660 (VCV003071660.4), dbSNP rs771119698, ClinGen allele CA055831.

ClinVar aggregate classification (germline): Likely benign. Review status: criteria provided, multiple submitters, no conflicts (2 of 4 stars). 3 submissions from 3 submitters: Likely benign (3). Last evaluated 2024-02-27.

Conditions:
Malignant hyperthermia, susceptibility to, 1 (MHS1). Also called: Anesthesia related hyperthermia; Malignant hyperpyrexia; Fulminating hyperpyrexia; Pharmacogenic myopathy; RYR1-Related Malignant Hyperthermia Susceptibility; Malignant hyperthermia suceptibility 1. Identifiers: Orphanet 423, MedGen C2930980, MONDO:0007783, OMIM 145600.
RYR1-related disorder. Also called: RYR1-related condition; RYR1-related disorders. Identifiers: MedGen CN239331.

Allele frequency attached by ClinVar (database versions not stated): gnomAD exomes below 0.00001; ExAC 0.00001; gnomAD 0.00001.
gnomAD v4.1: 4 of 1,613,752 alleles (0.00025%); highest among the groups gnomAD compares: East Asian, 0.0022%; no homozygotes.

Submissions (3):

Labcorp Genetics (formerly Invitae), Labcorp
Classification: Likely benign for RYR1-related disorder. Last evaluated: 2024-02-27. Review status: criteria provided, single submitter. Criteria: Invitae Variant Classification Sherloc (09022015). Collection method: clinical testing. Allele origin: germline.

All of Us Research Program, National Institutes of Health
Classification: Likely benign for Malignant hyperthermia, susceptibility to, 1. Last evaluated: 2023-06-08. Review status: criteria provided, single submitter. Criteria: ACMG Guidelines, 2015. Collection method: clinical testing. Allele origin: germline. Inheritance: Autosomal dominant inheritance. Observed: 1 variant allele, 1 heterozygote.
Comment: This study involves interpretation of variants in research participants for the purpose of population health screening. Participant phenotype was not available at the time of variant classification. Additional details can be found in publication PMID: 35346344, PMCID: PMC8962531

Color Diagnostics, LLC DBA Color Health
Classification: Likely benign for Malignant hyperthermia, susceptibility to, 1. Last evaluated: 2023-05-30. Review status: criteria provided, single submitter. Criteria: ACMG Guidelines, 2015. Collection method: clinical testing. Allele origin: germline.